The following is an entry in ClinVar:

ClinVar aggregate classification (germline): Uncertain significance (1 of 4 stars; one submission).

Conditions:
Neuropathy, hereditary sensory and autonomic, type 1C. Also called: HSAN IC; HSN IC. Identifiers: Orphanet 36386, MedGen C3150896, MONDO:0013337, OMIM 613640.

Allele frequency attached by ClinVar (database versions not stated): gnomAD exomes below 0.00001; TOPMed below 0.00001; gnomAD 0.00001.
gnomAD v4.1: 2 of 1,613,762 alleles (0.00012%); highest among the groups gnomAD compares: African/African-American, 0.0027%; no homozygotes.

Submission:

Labcorp Genetics (formerly Invitae), Labcorp
Classification: Uncertain significance for Neuropathy, hereditary sensory and autonomic, type 1C. Last evaluated: 2025-07-13. Review status: criteria provided, single submitter. Criteria: Invitae Variant Classification Sherloc (09022015). Collection method: clinical testing. Allele origin: germline.
Comment: This sequence change affects codon 109 of the SPTLC2 mRNA. It is a 'silent' change, meaning that it does not change the encoded amino acid sequence of the SPTLC2 protein. This variant also falls at the last nucleotide of exon 2, which is part of the consensus splice site for this exon. This variant is not present in population databases (gnomAD no frequency). This variant has not been reported in the literature in individuals affected with SPTLC2-related conditions. ClinVar contains an entry for this variant (Variation ID: 2978798). Variants that disrupt the consensus splice site are a relatively common cause of aberrant splicing (PMID: 17576681, 9536098). Algorithms developed to predict the effect of sequence changes on RNA splicing suggest that this variant may disrupt the consensus splice site. In summary, the available evidence is currently insufficient to determine the role of this variant in disease. Therefore, it has been classified as a Variant of Uncertain Significance.

Literature cited by the submitters: PubMed 17576681; PubMed 9536098.

NM_004863.4(SPTLC2):c.327G>A (p.Lys109=)

Gene: SPTLC2 (serine palmitoyltransferase long chain base subunit 2; minus strand). Cytogenetic location: 14q24.3.
Variant type: single nucleotide variant.
Coding change: c.327G>A on transcript NM_004863.4 (MANE Select); coding-DNA position 327, G replaced by A.
Protein change: p.Lys109=; no amino-acid change (lysine 109 retained).
Molecular consequence: synonymous variant.
Genome position (GRCh38, 1-based): chr14:77,597,186, C>T on the plus strand (G>A on the coding strand, the complement: SPTLC2 is on the minus strand). VCF-style: chr14-77597186-C-T. GRCh37 (hg19) VCF-style: chr14-78063529-C-T.
Identifiers: ClinVar variation 2978798 (VCV002978798.3), dbSNP rs1455639929, ClinGen allele CA487329951.